The following is an entry in ClinVar:

ClinVar aggregate classification (germline): Uncertain significance (1 of 4 stars; one submission).

Conditions:
DiGeorge syndrome. Also called: Catch22; THIRD AND FOURTH PHARYNGEAL POUCH SYNDROME. Identifiers: Orphanet 567, MedGen C0012236, MONDO:0008564, OMIM 188400.

gnomAD v4.1: 3 of 1,527,308 alleles (0.0002%); highest among the groups gnomAD compares: Non-Finnish European, 0.00017%; no homozygotes.

Submission:

Labcorp Genetics (formerly Invitae), Labcorp
Classification: Uncertain significance for DiGeorge syndrome. Last evaluated: 2022-10-24. Review status: criteria provided, single submitter. Criteria: Invitae Variant Classification Sherloc (09022015). Collection method: clinical testing. Allele origin: germline.
Comment: Algorithms developed to predict the effect of missense changes on protein structure and function (SIFT, PolyPhen-2, Align-GVGD) all suggest that this variant is likely to be tolerated. In summary, the available evidence is currently insufficient to determine the role of this variant in disease. Therefore, it has been classified as a Variant of Uncertain Significance. ClinVar contains an entry for this variant (Variation ID: 1521763). This variant has not been reported in the literature in individuals affected with TBX1-related conditions. This variant is not present in population databases (gnomAD no frequency). This sequence change replaces alanine, which is neutral and non-polar, with valine, which is neutral and non-polar, at codon 475 of the TBX1 protein (p.Ala475Val).

NM_001379200.1(TBX1):c.1451C>T (p.Ala484Val)

Gene: TBX1 (T-box transcription factor 1; plus strand). Cytogenetic location: 22q11.21.
Variant type: single nucleotide variant.
Coding change: c.1451C>T on transcript NM_001379200.1 (MANE Select); coding-DNA position 1451, C replaced by T.
Protein change: p.Ala484Val; replaces alanine 484 with valine.
Molecular consequence: missense variant. On other transcripts: intron variant (2).
Genome position (GRCh38, 1-based): chr22:19,766,803, C>T. VCF-style: chr22-19766803-C-T. GRCh37 (hg19) VCF-style: chr22-19754326-C-T.
Other names: c.1424C>T, p.Ala475Val (NM_080647.1); c.1009+801C>T (NM_005992.1, NM_080646.2); short protein forms A484V, A475V.
Identifiers: ClinVar variation 1521763 (VCV001521763.6), dbSNP rs1407079342, ClinGen allele CA410685555.